The following is an entry in ClinVar:

ClinVar aggregate classification (germline): Conflicting classifications of pathogenicity. Review status: criteria provided, conflicting classifications (1 of 4 stars). 4 submissions from 4 submitters: Uncertain significance (2); Likely benign (1). 1 of the submissions does not count toward it. Last evaluated 2026-01-26.

Conditions:
Dyskeratosis congenita, autosomal dominant 1 (DKCA1). Also called: Dyskeratosis congenita Scoggins type. Identifiers: Orphanet 1775, MedGen C4551974, MONDO:0007485, OMIM 127550. Inheritance: Variable.
Dyskeratosis congenita, autosomal recessive 5 (DKCB5). Identifiers: MedGen C3554656, MONDO:0014076, OMIM 615190.
Pulmonary fibrosis and/or bone marrow failure, Telomere-related, 3. Also called: PULMONARY FIBROSIS AND/OR BONE MARROW FAILURE SYNDROME, TELOMERE-RELATED, 3. Identifiers: Orphanet 2032, MedGen C4225346, MONDO:0014613, OMIM 616373.

Allele frequency attached by ClinVar (database versions not stated): 1000 Genomes Project 30x 0.00031; ESP Exome Variant Server 0.00039; TOPMed 0.00041; gnomAD 0.00042.
gnomAD v4.1: 209 of 1,607,466 alleles (0.013%); highest among the groups gnomAD compares: African/African-American, 0.099%; no homozygotes.

Submissions (4):

Labcorp Genetics (formerly Invitae), Labcorp
Classification: Uncertain significance for Dyskeratosis congenita, autosomal recessive 5; Pulmonary fibrosis and/or bone marrow failure, Telomere-related, 3. Last evaluated: 2026-01-26. Review status: criteria provided, single submitter. Criteria: Invitae Variant Classification Sherloc (09022015). Collection method: clinical testing. Allele origin: germline.
Comment: This sequence change falls in intron 28 of the RTEL1 gene. It does not directly change the encoded amino acid sequence of the RTEL1 protein. It affects a nucleotide within the consensus splice site. This variant is present in population databases (rs374540895, gnomAD 0.1%). This variant has not been reported in the literature in individuals affected with RTEL1-related conditions. ClinVar contains an entry for this variant (Variation ID: 540941). Variants that disrupt the consensus splice site are a relatively common cause of aberrant splicing (PMID: 17576681, 9536098). Algorithms developed to predict the effect of sequence changes on RNA splicing suggest that this variant may disrupt the consensus splice site. In summary, the available evidence is currently insufficient to determine the role of this variant in disease. Therefore, it has been classified as a Variant of Uncertain Significance.

Blueprint Genetics
Classification: Likely benign. Last evaluated: 2024-09-06. Review status: criteria provided, single submitter. Criteria: ACMG Guidelines, 2015. Collection method: clinical testing. Allele origin: germline.

Breakthrough Genomics
Classification: Uncertain significance. Review status: criteria provided, single submitter. Criteria: ACMG Guidelines, 2015. Collection method: not provided. Allele origin: germline. Inheritance: Autosomal dominant inheritance. Affected: yes.

Natera, Inc.
Classification: Uncertain significance for Autosomal dominant dyskeratosis congenita. Last evaluated: 2020-06-05. Review status: no assertion criteria provided. Collection method: clinical testing. Allele origin: germline. Not counted in ClinVar's aggregate classification.

Literature cited by the submitters: PubMed 17576681 (cited by Labcorp Genetics (formerly Invitae), Labcorp); PubMed 9536098 (cited by Labcorp Genetics (formerly Invitae), Labcorp).

NM_001283009.2(RTEL1):c.2652+4C>T

Genes: RTEL1 (regulator of telomere elongation helicase 1; plus strand), RTEL1-TNFRSF6B (RTEL1-TNFRSF6B readthrough (NMD candidate); plus strand). Cytogenetic location: 20q13.33.
Variant type: single nucleotide variant.
Coding change: c.2652+4C>T on transcript NM_001283009.2 (MANE Select); 4 bases into the intron after coding-DNA position 2652, C replaced by T.
Molecular consequence: intron variant.
Genome position (GRCh38, 1-based): chr20:63,691,841, C>T. VCF-style: chr20-63691841-C-T. GRCh37 (hg19) VCF-style: chr20-62323194-C-T.
Other names: c.1983+4C>T (NM_001283010.1); c.2724+4C>T (NM_032957.5); c.2652+4C>T (NM_016434.4).
Identifiers: ClinVar variation 540941 (VCV000540941.11), dbSNP rs374540895, ClinGen allele CA9965448.